The following is an entry in ClinVar:

ClinVar aggregate classification (germline): Pathogenic (1 of 4 stars; one submission).

Conditions:
Familial adenomatous polyposis 1 (FAP1). Also called: FAMILIAL ADENOMATOUS POLYPOSIS 1, ATTENUATED; POLYPOSIS, ADENOMATOUS INTESTINAL. Identifiers: MedGen C2713442, MONDO:0021056, OMIM 175100. Disease mechanism: loss of function.

Submission:

Myriad Genetics, Inc.
Classification: Pathogenic for Familial adenomatous polyposis 1. Last evaluated: 2023-05-09. Review status: criteria provided, single submitter. Criteria: Myriad Autosomal Dominant, Autosomal Recessive and X-Linked Classification Criteria (2023). Collection method: clinical testing. Allele origin: unknown.
Comment: This variant is considered pathogenic. This variant creates a frameshift predicted to result in premature protein truncation.

NM_000038.6(APC):c.3924del (p.Glu1309fs)

Gene: APC (APC regulator of Wnt signaling pathway; plus strand). Cytogenetic location: 5q22.2.
Variant type: Deletion.
Coding change: c.3924del on transcript NM_000038.6 (MANE Select); coding-DNA position 3924, one base deleted (A; older notation c.3924delA).
Protein change: p.Glu1309fs; shifts the reading frame from glutamic acid 1309.
Molecular consequence: frameshift variant. On other transcripts: non-coding transcript variant (2).
Genome position (GRCh38, 1-based): chr5:112,839,518, A deleted; the last of 4 consecutive A bases (chr5:112,839,515-112,839,518); deleting any one gives the same sequence. VCF-style (leftmost placement, unchanged base first): chr5-112839514-TA-T. GRCh37 (hg19) VCF-style: chr5-112175211-TA-T.
Other names: c.3924del, p.Glu1309fs (NM_001127510.3, NM_001354895.2, NM_001407450.1); c.3870del, p.Glu1291fs (NM_001127511.3); c.3978del, p.Glu1327fs (NM_001354896.2, NM_001407447.1, NM_001407448.1 and 1 more transcripts); c.3954del, p.Glu1319fs (NM_001354897.2); c.3849del, p.Glu1284fs (NM_001354898.2); c.3840del, p.Glu1281fs (NM_001354899.2); c.3801del, p.Glu1268fs (NM_001354900.2); c.3747del, p.Glu1250fs (NM_001354901.2, NM_001407453.1); and 11 more; short protein forms E1026fs, E1149fs, E1180fs, E1183fs, E1208fs, E1218fs, E1226fs, E1250fs.
Identifiers: ClinVar variation 2583923 (VCV002583923.2), dbSNP rs2533534656, ClinGen allele CA658760613.